The following is an entry in ClinVar:

NM_000426.4(LAMA2):c.3172A>T (p.Lys1058Ter)

Gene: LAMA2 (laminin subunit alpha 2; plus strand). Cytogenetic location: 6q22.33.
Variant type: single nucleotide variant.
Coding change: c.3172A>T on transcript NM_000426.4 (MANE Select); coding-DNA position 3172, A replaced by T.
Protein change: p.Lys1058Ter; replaces lysine 1058 with a stop codon.
Molecular consequence: nonsense.
Genome position (GRCh38, 1-based): chr6:129,300,870, A>T. VCF-style: chr6-129300870-A-T. GRCh37 (hg19) VCF-style: chr6-129622015-A-T.
Other names: c.3172A>T, p.Lys1058Ter (NM_001079823.2); short protein forms K1058*.
Identifiers: ClinVar variation 809993 (VCV000809993.46), dbSNP rs1583447808, ClinGen allele CA365611604.

ClinVar aggregate classification (germline): Pathogenic/Likely pathogenic. Review status: criteria provided, multiple submitters, no conflicts (2 of 4 stars). 2 submissions from 2 submitters: Pathogenic (1); Likely pathogenic (1). Last evaluated 2025-12-11.

Conditions:
LAMA2-related muscular dystrophy (LAMA2-RD). Also called: Laminin alpha 2-related dystrophy. Identifiers: MedGen C5679788, MONDO:0100228.

Submissions (2):

Myriad Genetics, Inc.
Classification: Pathogenic for LAMA2-related muscular dystrophy. Last evaluated: 2025-12-11. Review status: criteria provided, single submitter. Criteria: Myriad Autosomal Dominant, Autosomal Recessive and X-Linked Classification Criteria (2023). Collection method: clinical testing. Allele origin: unknown.
Comment: NM_000426.3(LAMA2):c.3172A>T(K1058*) is a nonsense variant classified as pathogenic in the context of muscular dystrophy, LAMA2-related. K1058* has not been observed in cases with relevant disease. Relevant functional assessments of this variant are not available in the literature. K1058* has not been observed in referenced population frequency databases. In summary, NM_000426.3(LAMA2):c.3172A>T(K1058*) is a nonsense variant in a gene where loss of function is a known mechanism of disease and is predicted to disrupt protein function. Please note: this variant was assessed in the context of healthy population screening.

CeGaT Center for Human Genetics Tuebingen
Classification: Likely pathogenic. Last evaluated: 2016-09-01. Review status: criteria provided, single submitter. Criteria: CeGaT Center For Human Genetics Tuebingen Variant Classification Criteria Version 2. Collection method: clinical testing. Allele origin: germline. Affected: yes. Observed: 1 variant allele.